The following is an entry in ClinVar:

NM_001369369.1(FOXN1):c.1331T>A (p.Met444Lys)

Gene: FOXN1 (forkhead box N1; plus strand). Cytogenetic location: 17q11.2.
Variant type: single nucleotide variant.
Coding change: c.1331T>A on transcript NM_001369369.1 (MANE Select); coding-DNA position 1331, T replaced by A.
Protein change: p.Met444Lys; replaces methionine 444 with lysine.
Molecular consequence: missense variant.
Genome position (GRCh38, 1-based): chr17:28,534,902, T>A. VCF-style: chr17-28534902-T-A. GRCh37 (hg19) VCF-style: chr17-26861920-T-A.
Other names: c.1331T>A, p.Met444Lys (NM_003593.3); short protein forms M444K.
Identifiers: ClinVar variation 2824830 (VCV002824830.4), dbSNP rs370079952, ClinGen allele CA8459504.
Genomic context (GRCh38, chr17:28,534,902, plus strand): 5'-ACTCACTCCACCCAGCTCCAGGCCCCATTCCTGGCAAGAACCCCCTGCAGGACCTACTTA[T>A]GGGGCACACACCCTCCTGCTATGGGCAGACATACTTGCACCTCTCACCAGGCCTGGCCCC-3'
Protein context (NP_001356298.1, residues 434-454): PGKNPLQDLL[Met444Lys]GHTPSCYGQT

ClinVar aggregate classification (germline): Uncertain significance. Review status: criteria provided, multiple submitters, no conflicts (2 of 4 stars). 2 submissions from 2 submitters: Uncertain significance (2). Last evaluated 2023-11-03.

Conditions:
T-cell immunodeficiency, congenital alopecia, and nail dystrophy. Also called: Congenital alopecia and nail dystrophy associated with severe functional T-cell immunodeficiency; Pignata Guarino syndrome. Identifiers: Orphanet 169095, MedGen C1866426, MONDO:0011132, OMIM 601705.
Inborn genetic diseases. Identifiers: MedGen C0950123, MeSH D030342.

Allele frequency attached by ClinVar (database versions not stated): TOPMed below 0.00001; gnomAD 0.00001; ESP Exome Variant Server 0.00008.

Submissions (2):

Ambry Genetics
Classification: Uncertain significance for Inborn genetic diseases. Last evaluated: 2023-11-03. Review status: criteria provided, single submitter. Criteria: Ambry Variant Classification Scheme 2023. Collection method: clinical testing. Allele origin: germline.

Labcorp Genetics (formerly Invitae), Labcorp
Classification: Uncertain significance for T-cell immunodeficiency, congenital alopecia, and nail dystrophy. Last evaluated: 2022-12-29. Review status: criteria provided, single submitter. Criteria: Invitae Variant Classification Sherloc (09022015). Collection method: clinical testing. Allele origin: germline.
Comment: This sequence change replaces methionine, which is neutral and non-polar, with lysine, which is basic and polar, at codon 444 of the FOXN1 protein (p.Met444Lys). This variant is present in population databases (rs370079952, gnomAD 0.0009%). This variant has not been reported in the literature in individuals affected with FOXN1-related conditions. Advanced modeling of protein sequence and biophysical properties (such as structural, functional, and spatial information, amino acid conservation, physicochemical variation, residue mobility, and thermodynamic stability) performed at Invitae indicates that this missense variant is not expected to disrupt FOXN1 protein function. In summary, the available evidence is currently insufficient to determine the role of this variant in disease. Therefore, it has been classified as a Variant of Uncertain Significance.